The following is an entry in ClinVar:

ClinVar aggregate classification (germline): Likely benign. Review status: criteria provided, multiple submitters, no conflicts (2 of 4 stars). 2 submissions from 2 submitters: Likely benign (2). Last evaluated 2025-01-23.

Conditions:
Malignant hyperthermia, susceptibility to, 1 (MHS1). Also called: RYR1-Related Malignant Hyperthermia Susceptibility; Anesthesia related hyperthermia; Malignant hyperpyrexia; Fulminating hyperpyrexia; Pharmacogenic myopathy; Malignant hyperthermia suceptibility 1. Identifiers: Orphanet 423, MedGen C2930980, MONDO:0007783, OMIM 145600.
RYR1-related disorder. Also called: RYR1-related disorders; RYR1-related condition. Identifiers: MedGen CN239331.

Allele frequency attached by ClinVar (database versions not stated): TOPMed below 0.00001; ExAC 0.00001; gnomAD exomes 0.00001.
gnomAD v4.1: 16 of 1,614,168 alleles (0.00099%); highest among the groups gnomAD compares: Non-Finnish European, 0.0014%; no homozygotes.

Submissions (2):

Labcorp Genetics (formerly Invitae), Labcorp
Classification: Likely benign for RYR1-related disorder. Last evaluated: 2025-01-23. Review status: criteria provided, single submitter. Criteria: Invitae Variant Classification Sherloc (09022015). Collection method: clinical testing. Allele origin: germline.

All of Us Research Program, National Institutes of Health
Classification: Likely benign for Malignant hyperthermia, susceptibility to, 1. Last evaluated: 2024-05-30. Review status: criteria provided, single submitter. Criteria: ACMG Guidelines, 2015. Collection method: clinical testing. Allele origin: germline. Inheritance: Autosomal dominant inheritance. Observed: 4 variant alleles, 4 heterozygotes.
Comment: This study involves interpretation of variants in research participants for the purpose of population health screening. Participant phenotype was not available at the time of variant classification. Additional details can be found in publication PMID: 35346344, PMCID: PMC8962531

NM_000540.3(RYR1):c.12330G>C (p.Leu4110=)

Gene: RYR1 (ryanodine receptor 1; plus strand). Cytogenetic location: 19q13.2.
Variant type: single nucleotide variant.
Coding change: c.12330G>C on transcript NM_000540.3 (MANE Select); coding-DNA position 12330, G replaced by C.
Protein change: p.Leu4110=; no amino-acid change (leucine 4110 retained).
Molecular consequence: synonymous variant.
Genome position (GRCh38, 1-based): chr19:38,561,160, G>C. VCF-style: chr19-38561160-G-C. GRCh37 (hg19) VCF-style: chr19-39051800-G-C.
Other names: c.12315G>C, p.Leu4105= (NM_001042723.2).
Identifiers: ClinVar variation 2078150 (VCV002078150.6), dbSNP rs767758231, ClinGen allele CA058717.